The following is an entry in ClinVar:

ClinVar aggregate classification (germline): Uncertain significance (1 of 4 stars; one submission).

gnomAD v4.1: 1 of 1,613,638 alleles (0.000062%); highest among the groups gnomAD compares: Non-Finnish European, 0.000085%; no homozygotes.

Submission:

Labcorp Genetics (formerly Invitae), Labcorp
Classification: Uncertain significance. Last evaluated: 2022-06-20. Review status: criteria provided, single submitter. Criteria: Invitae Variant Classification Sherloc (09022015). Collection method: clinical testing. Allele origin: germline.
Comment: This sequence change replaces arginine, which is basic and polar, with leucine, which is neutral and non-polar, at codon 376 of the IRF4 protein (p.Arg376Leu). This variant is present in population databases (no rsID available, gnomAD 0.0009%). This variant has not been reported in the literature in individuals affected with IRF4-related conditions. Algorithms developed to predict the effect of missense changes on protein structure and function (SIFT, PolyPhen-2, Align-GVGD) all suggest that this variant is likely to be disruptive. In summary, the available evidence is currently insufficient to determine the role of this variant in disease. Therefore, it has been classified as a Variant of Uncertain Significance.

NM_002460.4(IRF4):c.1127G>T (p.Arg376Leu)

Genes: IRF4 (interferon regulatory factor 4; plus strand), LOC129995575 (ATAC-STARR-seq lymphoblastoid active region 23845; plus strand). Cytogenetic location: 6p25.3.
Variant type: single nucleotide variant.
Coding change: c.1127G>T on transcript NM_002460.4 (MANE Select); coding-DNA position 1127, G replaced by T.
Protein change: p.Arg376Leu; replaces arginine 376 with leucine.
Molecular consequence: missense variant. On other transcripts: non-coding transcript variant (1).
Genome position (GRCh38, 1-based): chr6:405,045, G>T. VCF-style: chr6-405045-G-T. GRCh37 (hg19) VCF-style: chr6-405045-G-T.
Other names: c.1124G>T, p.Arg375Leu (NM_001195286.2); short protein forms R376L, R375L.
Identifiers: ClinVar variation 1517655 (VCV001517655.8), dbSNP rs377483798, ClinGen allele CA362550262.